The following is an entry in ClinVar:

NM_006915.3(RP2):c.438A>G (p.Gly146=)

Gene: RP2 (RP2 activator of ARL3 GTPase; plus strand). Cytogenetic location: Xp11.3.
Variant type: single nucleotide variant.
Coding change: c.438A>G on transcript NM_006915.3 (MANE Select); coding-DNA position 438, A replaced by G.
Protein change: p.Gly146=; no amino-acid change (glycine 146 retained).
Molecular consequence: synonymous variant.
Genome position (GRCh38, 1-based): chrX:46,853,811, A>G. VCF-style: chrX-46853811-A-G. GRCh37 (hg19) VCF-style: chrX-46713246-A-G.
Identifiers: ClinVar variation 792324 (VCV000792324.12), dbSNP rs140187043, ClinGen allele CA10394212.
Genomic context (GRCh38, chrX:46,853,811, plus strand): 5'-AGTCTTTTTGTGTTGTGCCACTCAACCCATCATTGAGTCTTCCTCAAATATCAAATTTGG[A>G]TGTTTTCAATGGTACTATCCTGAATTAGCTTTCCAGTTCAAAGATGCAGGGCTAAGTATC-3'
Protein context (NP_008846.2, residues 136-156): IIESSSNIKF[Gly146=]CFQWYYPELA

ClinVar aggregate classification (germline): Benign. Review status: criteria provided, single submitter (1 of 4 stars). 2 submissions from 2 submitters: Benign (1). 1 of the submissions does not count toward it. Last evaluated 2025-05-27.

Conditions:
RP2-related disorder. Also called: RP2-related condition.

Allele frequency attached by ClinVar (database versions not stated): gnomAD exomes 0.00001 and 0.00005; ExAC 0.00005; gnomAD 0.00011 and 0.00012; TOPMed 0.00015; ESP Exome Variant Server 0.00028.
gnomAD v4.1: 27 of 1,210,074 alleles (0.0022%); highest among the groups gnomAD compares: African/African-American, 0.045%; no homozygotes.

Submissions (2):

Labcorp Genetics (formerly Invitae), Labcorp
Classification: Benign. Last evaluated: 2025-05-27. Review status: criteria provided, single submitter. Criteria: Invitae Variant Classification Sherloc (09022015). Collection method: clinical testing. Allele origin: germline.

PreventionGenetics, part of Exact Sciences
Classification: Likely benign for RP2-related condition. Last evaluated: 2019-02-18. Review status: no assertion criteria provided. Collection method: clinical testing. Allele origin: germline. Not counted in ClinVar's aggregate classification.
Comment: This variant is classified as likely benign based on ACMG/AMP sequence variant interpretation guidelines (Richards et al. 2015 PMID: 25741868, with internal and published modifications).